The following is an entry in ClinVar:

NM_003079.5(SMARCE1):c.427A>G (p.Ile143Val)

Gene: SMARCE1 (SWI/SNF related BAF chromatin remodeling complex subunit E1; minus strand). Cytogenetic location: 17q21.2.
Variant type: single nucleotide variant.
Coding change: c.427A>G on transcript NM_003079.5 (MANE Select); coding-DNA position 427, A replaced by G.
Protein change: p.Ile143Val; replaces isoleucine 143 with valine.
Molecular consequence: missense variant.
Genome position (GRCh38, 1-based): chr17:40,636,045, T>C on the plus strand (A>G on the coding strand, the complement: SMARCE1 is on the minus strand). VCF-style: chr17-40636045-T-C. GRCh37 (hg19) VCF-style: chr17-38792297-T-C.
Other names: short protein forms I143V.
Identifiers: ClinVar variation 824748 (VCV000824748.14), dbSNP rs772432672, ClinGen allele CA8545244.

ClinVar aggregate classification (germline): Conflicting classifications of pathogenicity. Review status: criteria provided, conflicting classifications (1 of 4 stars). 2 submissions from 2 submitters: Uncertain significance (1); Likely benign (1). Last evaluated 2025-02-05.

Conditions:
Hereditary cancer-predisposing syndrome. Also called: Neoplastic Syndromes, Hereditary; Tumor predisposition; Hereditary neoplastic syndrome; Hereditary Cancer Syndrome. Identifiers: Orphanet 140162, MedGen C0027672, MeSH D009386, MONDO:0015356.
Familial meningioma. Also called: Meningioma, familial, susceptibility to. Identifiers: Orphanet 263662, MedGen C3551915, MONDO:0011789, OMIM 607174.

Allele frequency attached by ClinVar (database versions not stated): ExAC 0.00001; gnomAD exomes below 0.00001 and 0.00001.
gnomAD v4.1: 4 of 1,613,802 alleles (0.00025%); highest among the groups gnomAD compares: African/African-American, 0.0027%; no homozygotes.

Submissions (2):

Labcorp Genetics (formerly Invitae), Labcorp
Classification: Uncertain significance for Familial meningioma. Last evaluated: 2025-02-05. Review status: criteria provided, single submitter. Criteria: Invitae Variant Classification Sherloc (09022015). Collection method: clinical testing. Allele origin: germline.
Comment: This sequence change replaces isoleucine, which is neutral and non-polar, with valine, which is neutral and non-polar, at codon 143 of the SMARCE1 protein (p.Ile143Val). This variant is present in population databases (rs772432672, gnomAD 0.007%). This variant has not been reported in the literature in individuals affected with SMARCE1-related conditions. ClinVar contains an entry for this variant (Variation ID: 824748). Invitae Evidence Modeling of protein sequence and biophysical properties (such as structural, functional, and spatial information, amino acid conservation, physicochemical variation, residue mobility, and thermodynamic stability) indicates that this missense variant is not expected to disrupt SMARCE1 protein function with a negative predictive value of 80%. In summary, the available evidence is currently insufficient to determine the role of this variant in disease. Therefore, it has been classified as a Variant of Uncertain Significance.

Ambry Genetics
Classification: Likely benign for Hereditary cancer-predisposing syndrome. Last evaluated: 2022-10-25. Review status: criteria provided, single submitter. Criteria: Ambry Variant Classification Scheme 2023. Collection method: clinical testing. Allele origin: germline.